The following is an entry in ClinVar:

ClinVar aggregate classification (germline): Uncertain significance (1 of 4 stars; one submission).

Submission:

Ambry Genetics
Classification: Uncertain significance. Last evaluated: 2025-07-07. Review status: criteria provided, single submitter. Criteria: Ambry Variant Classification Scheme 2023. Collection method: clinical testing. Allele origin: germline.
Comment: The p.C1316S variant (also known as c.3947G>C), located in coding exon 18 of the WNK2 gene, results from a G to C substitution at nucleotide position 3947. The cysteine at codon 1316 is replaced by serine, an amino acid with dissimilar properties. This amino acid position is conserved. In addition, the in silico prediction for this alteration is inconclusive. Based on the available evidence, the clinical significance of this variant remains unclear.

NM_006648.4(WNK2):c.3947G>C (p.Cys1316Ser)

Gene: WNK2 (WNK lysine deficient protein kinase 2; plus strand). Cytogenetic location: 9q22.31.
Variant type: single nucleotide variant.
Coding change: c.3947G>C on transcript NM_006648.4 (MANE Select); coding-DNA position 3947, G replaced by C.
Protein change: p.Cys1316Ser; replaces cysteine 1316 with serine.
Molecular consequence: missense variant.
Genome position (GRCh38, 1-based): chr9:93,268,660, G>C. VCF-style: chr9-93268660-G-C. GRCh37 (hg19) VCF-style: chr9-96030942-G-C.
Other names: c.3947G>C, p.Cys1316Ser (NM_001282394.3); short protein forms C1316S.
Identifiers: ClinVar variation 4201598 (VCV004201598.1).